The following is an entry in ClinVar:

NM_000548.5(TSC2):c.5344G>T (p.Ala1782Ser)

Gene: TSC2 (TSC complex subunit 2; plus strand). Cytogenetic location: 16p13.3.
Variant type: single nucleotide variant.
Coding change: c.5344G>T on transcript NM_000548.5 (MANE Select); coding-DNA position 5344, G replaced by T.
Protein change: p.Ala1782Ser; replaces alanine 1782 with serine.
Molecular consequence: missense variant.
Genome position (GRCh38, 1-based): chr16:2,088,530, G>T. VCF-style: chr16-2088530-G-T. GRCh37 (hg19) VCF-style: chr16-2138531-G-T.
Other names: c.5143G>T, p.Ala1715Ser (NM_001077183.3); c.5275G>T, p.Ala1759Ser (NM_001114382.3); c.5035G>T, p.Ala1679Ser (NM_001318827.2); c.4999G>T, p.Ala1667Ser (NM_001318829.2); c.4612G>T, p.Ala1538Ser (NM_001318831.2); c.5176G>T, p.Ala1726Ser (NM_001318832.2); c.5146G>T, p.Ala1716Ser (NM_001363528.2); c.5212G>T, p.Ala1738Ser (NM_001370404.1); and 2 more; short protein forms A1782S, A1679S, A1716S, A1735S, A1739S, A1538S, A1726S, A1738S.
Identifiers: ClinVar variation 574864 (VCV000574864.13), dbSNP rs1405712076, ClinGen allele CA394315696.

ClinVar aggregate classification (germline): Conflicting classifications of pathogenicity. Review status: criteria provided, conflicting classifications (1 of 4 stars). 3 submissions from 3 submitters: Uncertain significance (2); Benign (1). Last evaluated 2025-08-07.

Conditions:
Isolated focal cortical dysplasia type II (FCORD2). Also called: Focal cortical dysplasia type II; CORTICAL DYSPLASIA OF TAYLOR. Identifiers: Orphanet 268994, MedGen C1846385, MONDO:0011818, OMIM 607341, HP:0032051.
Lymphangiomyomatosis (LAM). Also called: Lymphangioleiomyomatosis; Lymphangioleiomyomatosis, somatic. Identifiers: Orphanet 538, MedGen C0751674, MONDO:0011705, OMIM 606690.
Tuberous sclerosis 2 (TSC2). Identifiers: Orphanet 805, MedGen C1860707, MONDO:0013199, OMIM 613254.
Hereditary cancer-predisposing syndrome. Also called: Hereditary neoplastic syndrome; Neoplastic Syndromes, Hereditary; Hereditary Cancer Syndrome; Tumor predisposition. Identifiers: Orphanet 140162, MedGen C0027672, MeSH D009386, MONDO:0015356.

Allele frequency attached by ClinVar (database versions not stated): TOPMed below 0.00001.
gnomAD v4.1: 16 of 1,612,220 alleles (0.00099%); highest among the groups gnomAD compares: Non-Finnish European, 0.0014%; no homozygotes.

Submissions (3):

Labcorp Genetics (formerly Invitae), Labcorp
Classification: Benign for Tuberous sclerosis 2. Last evaluated: 2025-08-07. Review status: criteria provided, single submitter. Criteria: Invitae Variant Classification Sherloc (09022015). Collection method: clinical testing. Allele origin: germline.

Ambry Genetics
Classification: Uncertain significance for Hereditary cancer-predisposing syndrome. Last evaluated: 2024-10-02. Review status: criteria provided, single submitter. Criteria: Ambry Variant Classification Scheme 2023. Collection method: clinical testing. Allele origin: germline.
Comment: The p.A1782S variant (also known as c.5344G>T), located in coding exon 41 of the TSC2 gene, results from a G to T substitution at nucleotide position 5344. The alanine at codon 1782 is replaced by serine, an amino acid with similar properties. This amino acid position is not well conserved in available vertebrate species. In addition, this alteration is predicted to be tolerated by in silico analysis. Based on the available evidence, the clinical significance of this variant remains unclear.

Fulgent Genetics
Classification: Uncertain significance for Lymphangiomyomatosis; Isolated focal cortical dysplasia type II; Tuberous sclerosis 2. Last evaluated: 2022-05-09. Review status: criteria provided, single submitter. Criteria: ACMG Guidelines, 2015. Collection method: clinical testing. Allele origin: unknown.